The following is an entry in ClinVar:

ClinVar aggregate classification (germline): Likely benign (1 of 4 stars; one submission).

gnomAD v4.1: 30 of 1,250,504 alleles (0.0024%); highest among the groups gnomAD compares: African/African-American, 0.0032%; no homozygotes.

Submission:

CeGaT Center for Human Genetics Tuebingen
Classification: Likely benign. Last evaluated: 2025-10-01. Review status: criteria provided, single submitter. Criteria: CeGaT Center For Human Genetics Tuebingen Variant Classification Criteria Version 2. Collection method: clinical testing. Allele origin: germline. Affected: yes. Observed: 1 variant allele.
Comment: APC2: BP4, BP7

NM_005883.3(APC2):c.6273C>T (p.Ala2091=)

Gene: APC2 (APC regulator of Wnt signaling pathway 2; plus strand). Cytogenetic location: 19p13.3.
Variant type: single nucleotide variant.
Coding change: c.6273C>T on transcript NM_005883.3 (MANE Select); coding-DNA position 6273, C replaced by T.
Protein change: p.Ala2091=; no amino-acid change (alanine 2091 retained).
Molecular consequence: synonymous variant.
Genome position (GRCh38, 1-based): chr19:1,469,574, C>T. VCF-style: chr19-1469574-C-T. GRCh37 (hg19) VCF-style: chr19-1469573-C-T.
Other names: c.6270C>T, p.Ala2090= (NM_001351273.1).
Identifiers: ClinVar variation 4534680 (VCV004534680.6).